The following is an entry in ClinVar:

ClinVar aggregate classification (germline): Uncertain significance (1 of 4 stars; one submission).

Allele frequency attached by ClinVar (database versions not stated): gnomAD exomes below 0.00001; gnomAD 0.00001; TOPMed 0.00001; ExAC 0.00005.
gnomAD v4.1: 6 of 1,549,590 alleles (0.00039%); highest among the groups gnomAD compares: Non-Finnish European, 0.00052%; no homozygotes.

Submission:

Labcorp Genetics (formerly Invitae), Labcorp
Classification: Uncertain significance. Last evaluated: 2022-05-11. Review status: criteria provided, single submitter. Criteria: Invitae Variant Classification Sherloc (09022015). Collection method: clinical testing. Allele origin: germline.
Comment: This sequence change replaces lysine, which is basic and polar, with glutamic acid, which is acidic and polar, at codon 852 of the CPLANE1 protein (p.Lys852Glu). This variant is present in population databases (rs755666811, gnomAD 0.002%). This variant has not been reported in the literature in individuals affected with CPLANE1-related conditions. Advanced modeling of protein sequence and biophysical properties (such as structural, functional, and spatial information, amino acid conservation, physicochemical variation, residue mobility, and thermodynamic stability) performed at Invitae indicates that this missense variant is not expected to disrupt CPLANE1 protein function. In summary, the available evidence is currently insufficient to determine the role of this variant in disease. Therefore, it has been classified as a Variant of Uncertain Significance.

NM_001384732.1(CPLANE1):c.2554A>G (p.Lys852Glu)

Gene: CPLANE1 (ciliogenesis and planar polarity effector complex subunit 1; minus strand). Cytogenetic location: 5p13.2.
Variant type: single nucleotide variant.
Coding change: c.2554A>G on transcript NM_001384732.1 (MANE Select); coding-DNA position 2554, A replaced by G.
Protein change: p.Lys852Glu; replaces lysine 852 with glutamic acid.
Molecular consequence: missense variant.
Genome position (GRCh38, 1-based): chr5:37,224,280, T>C on the plus strand (A>G on the coding strand, the complement: CPLANE1 is on the minus strand). VCF-style: chr5-37224280-T-C. GRCh37 (hg19) VCF-style: chr5-37224382-T-C.
Other names: c.2554A>G, p.Lys852Glu (NM_023073.4); short protein forms K852E.
Identifiers: ClinVar variation 1983068 (VCV001983068.1), dbSNP rs755666811, ClinGen allele CA3239032.